The following is an entry in ClinVar:

NM_001184880.2(PCDH19):c.3037C>T (p.Arg1013Trp)

Gene: PCDH19 (protocadherin 19; minus strand). Cytogenetic location: Xq22.1.
Variant type: single nucleotide variant.
Coding change: c.3037C>T on transcript NM_001184880.2 (MANE Select); coding-DNA position 3037, C replaced by T.
Protein change: p.Arg1013Trp; replaces arginine 1013 with tryptophan.
Molecular consequence: missense variant.
Genome position (GRCh38, 1-based): chrX:100,296,687, G>A on the plus strand (C>T on the coding strand, the complement: PCDH19 is on the minus strand). VCF-style: chrX-100296687-G-A. GRCh37 (hg19) VCF-style: chrX-99551685-G-A.
Other names: p.R966W:CGG>TGG; c.2896C>T, p.Arg966Trp (NM_001105243.2); c.2893C>T, p.Arg965Trp (NM_020766.3); short protein forms R1013W, R966W, R965W.
Identifiers: ClinVar variation 206284 (VCV000206284.4), dbSNP rs376406896, ClinGen allele CA316213.

ClinVar aggregate classification (germline): Conflicting classifications of pathogenicity. Review status: criteria provided, conflicting classifications (1 of 4 stars). 2 submissions from 2 submitters: Uncertain significance (1); Likely benign (1). Last evaluated 2023-12-21.

Conditions:
Developmental and epileptic encephalopathy, 9 (DEE9). Also called: EPILEPSY, FEMALE-RESTRICTED, WITH MENTAL RETARDATION; Early infantile epileptic encephalopathy 9; JUBERG-HELLMAN SYNDROME; PCDH19-Related X-Linked Female-Limited Epilepsy with Mental Retardation. Identifiers: Orphanet 101039, Orphanet 2076, MedGen C1848137, MONDO:0010246, OMIM 300088. Disease mechanism: loss of function.

Submissions (2):

Labcorp Genetics (formerly Invitae), Labcorp
Classification: Uncertain significance for Developmental and epileptic encephalopathy, 9. Last evaluated: 2023-12-21. Review status: criteria provided, single submitter. Criteria: Invitae Variant Classification Sherloc (09022015). Collection method: clinical testing. Allele origin: germline.
Comment: This sequence change replaces arginine, which is basic and polar, with tryptophan, which is neutral and slightly polar, at codon 1013 of the PCDH19 protein (p.Arg1013Trp). This variant is not present in population databases (gnomAD no frequency). This variant has not been reported in the literature in individuals affected with PCDH19-related conditions. ClinVar contains an entry for this variant (Variation ID: 206284). Advanced modeling of protein sequence and biophysical properties (such as structural, functional, and spatial information, amino acid conservation, physicochemical variation, residue mobility, and thermodynamic stability) performed at Invitae indicates that this missense variant is not expected to disrupt PCDH19 protein function with a negative predictive value of 95%. In summary, the available evidence is currently insufficient to determine the role of this variant in disease. Therefore, it has been classified as a Variant of Uncertain Significance.

GeneDx
Classification: Likely benign. Last evaluated: 2013-06-10. Review status: criteria provided, single submitter. Criteria: GeneDx Variant Classification (06012015). Collection method: clinical testing. Allele origin: germline. Affected: yes.
Comment: This variant is considered likely benign or benign based on one or more of the following criteria: it is a conservative change, it occurs at a poorly conserved position in the protein, it is predicted to be benign by multiple in silico algorithms, and/or has population frequency not consistent with disease.